The following is an entry in ClinVar:

NM_001369.3(DNAH5):c.6884C>G (p.Ala2295Gly)

Gene: DNAH5 (dynein axonemal heavy chain 5; minus strand). Cytogenetic location: 5p15.2.
Variant type: single nucleotide variant.
Coding change: c.6884C>G on transcript NM_001369.3 (MANE Select); coding-DNA position 6884, C replaced by G.
Protein change: p.Ala2295Gly; replaces alanine 2295 with glycine.
Molecular consequence: missense variant.
Genome position (GRCh38, 1-based): chr5:13,817,652, G>C on the plus strand (C>G on the coding strand, the complement: DNAH5 is on the minus strand). VCF-style: chr5-13817652-G-C. GRCh37 (hg19) VCF-style: chr5-13817761-G-C.
Other names: short protein forms A2295G.
Identifiers: ClinVar variation 454799 (VCV000454799.11), dbSNP rs368441809, ClinGen allele CA3203247.
Genomic context (GRCh38, chr5:13,817,652, plus strand): 5'-CCATCAGTCCAGTCATTTGTGGCAACGTCCAGCCGACCAAACATCTGTGGGGCAGTAATC[G>C]CTTTGGGATTCATCCTCATTTCCCGATGTGGTTTTCCACAATCTATACCAAGTAAATCCA-3'
Protein context (NP_001360.1, residues 2285-2305): PHREMRMNPK[Ala2295Gly]ITAPQMFGRL

ClinVar aggregate classification (germline): Uncertain significance (1 of 4 stars; one submission).

Conditions:
Primary ciliary dyskinesia. Also called: Ciliary dyskinesia. Identifiers: Orphanet 244, MedGen C0008780, MONDO:0016575, HP:0012265.

Allele frequency attached by ClinVar (database versions not stated): TOPMed 0.00001; ESP Exome Variant Server 0.00008.
gnomAD v4.1: 2 of 1,614,006 alleles (0.00012%); highest among the groups gnomAD compares: African/African-American, 0.0027%; no homozygotes.

Submission:

Labcorp Genetics (formerly Invitae), Labcorp
Classification: Uncertain significance for Primary ciliary dyskinesia. Last evaluated: 2019-06-25. Review status: criteria provided, single submitter. Criteria: Invitae Variant Classification Sherloc (09022015). Collection method: clinical testing. Allele origin: germline.
Comment: This sequence change replaces alanine with glycine at codon 2295 of the DNAH5 protein (p.Ala2295Gly). The alanine residue is highly conserved and there is a small physicochemical difference between alanine and glycine. In summary, the available evidence is currently insufficient to determine the role of this variant in disease. Therefore, it has been classified as a Variant of Uncertain Significance. Algorithms developed to predict the effect of missense changes on protein structure and function do not agree on the potential impact of this missense change (SIFT: "Deleterious"; PolyPhen-2: "Possibly Damaging"; Align-GVGD: "Class C0"). This variant has not been reported in the literature in individuals with DNAH5-related disease. This variant is present in population databases (rs368441809, ExAC 0.02%).